The following is an entry in ClinVar:

ClinVar aggregate classification (germline): Likely benign (1 of 4 stars; one submission).

Submission:

GeneDx
Classification: Likely benign. Last evaluated: 2016-05-27. Review status: criteria provided, single submitter. Criteria: GeneDx Variant Classification (06012015). Collection method: clinical testing. Allele origin: germline. Affected: yes.
Comment: This variant is considered likely benign or benign based on one or more of the following criteria: it is a conservative change, it occurs at a poorly conserved position in the protein, it is predicted to be benign by multiple in silico algorithms, and/or has population frequency not consistent with disease.

NM_000719.7(CACNA1C):c.4860C>A (p.Ala1620=)

Genes: CACNA1C (calcium voltage-gated channel subunit alpha1 C; plus strand), CACNA1C-AS1 (CACNA1C antisense RNA 1; minus strand). Cytogenetic location: 12p13.33.
Variant type: single nucleotide variant.
Coding change: c.4860C>A on transcript NM_000719.7 (MANE Select); coding-DNA position 4860, C replaced by A.
Protein change: p.Ala1620=; no amino-acid change (alanine 1620 retained).
Molecular consequence: synonymous variant. On other transcripts: non-coding transcript variant (1).
Genome position (GRCh38, 1-based): chr12:2,677,125, C>A. VCF-style: chr12-2677125-C-A. GRCh37 (hg19) VCF-style: chr12-2786291-C-A.
Other names: c.5004C>A, p.Ala1668= (NM_001129827.2, NM_199460.4); c.4983C>A, p.Ala1661= (NM_001129829.2); c.4860C>A, p.Ala1620= (NM_001129830.3, NM_001129840.2, NM_001129841.2 and 4 more transcripts); c.4944C>A, p.Ala1648= (NM_001129831.2); c.4920C>A, p.Ala1640= (NM_001129832.2); c.4917C>A, p.Ala1639= (NM_001129833.2, NM_001129834.2, NM_001129835.2); c.4911C>A, p.Ala1637= (NM_001129836.2); c.4884C>A, p.Ala1628= (NM_001129837.2, NM_001129838.2); and 3 more.
Identifiers: ClinVar variation 386642 (VCV000386642.1), dbSNP rs1057522559, ClinGen allele CA16607244.